The following is an entry in ClinVar:

NM_003850.3(SUCLA2):c.232A>C (p.Lys78Gln)

Gene: SUCLA2 (succinate-CoA ligase ADP-forming subunit beta; minus strand). Cytogenetic location: 13q14.2.
Variant type: single nucleotide variant.
Coding change: c.232A>C on transcript NM_003850.3 (MANE Select); coding-DNA position 232, A replaced by C.
Protein change: p.Lys78Gln; replaces lysine 78 with glutamine.
Molecular consequence: missense variant.
Genome position (GRCh38, 1-based): chr13:47,996,882, T>G on the plus strand (A>C on the coding strand, the complement: SUCLA2 is on the minus strand). VCF-style: chr13-47996882-T-G. GRCh37 (hg19) VCF-style: chr13-48571017-T-G.
Other names: short protein forms K78Q.
Identifiers: ClinVar variation 881025 (VCV000881025.7), dbSNP rs765735446, ClinGen allele CA6978062.
Genomic context (GRCh38, chr13:47,996,882, plus strand): 5'-AAGCTTTTCTTAATTTAGTACCTAATTTTTTGGCAATTGCATAAGCTTCATCTGGTGACT[T>G]TGCCACATATCCTTTGGGAACGGAGACACCAGCTTCTTGCAATAATTCCATACTCATGTA-3'
Protein context (NP_003841.1, residues 68-88): GVSVPKGYVA[Lys78Gln]SPDEAYAIAK

ClinVar aggregate classification (germline): Uncertain significance. Review status: criteria provided, multiple submitters, no conflicts (2 of 4 stars). 3 submissions from 3 submitters: Uncertain significance (3). Last evaluated 2023-03-20.

Conditions:
Mitochondrial DNA depletion syndrome, encephalomyopathic form with methylmalonic aciduria (MTDPS5). Also called: Mitochondrial encephalomyopathy aminoacidopathy; Mitochondrial DNA depletion syndrome 5 (encephalomyopathic with or without methylmalonic aciduria); MITOCHONDRIAL DNA DEPLETION SYNDROME, ENCEPHALOMYOPATHIC FORM, WITH OR WITHOUT METHYLMALONIC ACIDURIA, AUTOSOMAL RECESSIVE, SUCLA2-RELATED; SUCLA2-Related Mitochondrial DNA Depletion Syndrome, Encephalomyopathic Form with Methylmalonic Aciduria. Identifiers: Orphanet 1933, MedGen C5980207, MONDO:0012791, OMIM 612073.
Inborn genetic diseases. Identifiers: MedGen C0950123, MeSH D030342.

Allele frequency attached by ClinVar (database versions not stated): ExAC 0.00002; gnomAD 0.00003 and 0.00004; TOPMed 0.00005.
gnomAD v4.1: 90 of 1,613,774 alleles (0.0056%); highest among the groups gnomAD compares: Non-Finnish European, 0.0072%; no homozygotes.

Submissions (3):

Ambry Genetics
Classification: Uncertain significance for Inborn genetic diseases. Last evaluated: 2023-03-20. Review status: criteria provided, single submitter. Criteria: Ambry Variant Classification Scheme 2023. Collection method: clinical testing. Allele origin: germline.

Labcorp Genetics (formerly Invitae), Labcorp
Classification: Uncertain significance for Mitochondrial DNA depletion syndrome, encephalomyopathic form with methylmalonic aciduria. Last evaluated: 2022-05-03. Review status: criteria provided, single submitter. Criteria: Invitae Variant Classification Sherloc (09022015). Collection method: clinical testing. Allele origin: germline.
Comment: This sequence change replaces lysine, which is basic and polar, with glutamine, which is neutral and polar, at codon 78 of the SUCLA2 protein (p.Lys78Gln). This variant is present in population databases (rs765735446, gnomAD 0.008%). This variant has not been reported in the literature in individuals affected with SUCLA2-related conditions. ClinVar contains an entry for this variant (Variation ID: 881025). Algorithms developed to predict the effect of missense changes on protein structure and function (SIFT, PolyPhen-2, Align-GVGD) all suggest that this variant is likely to be tolerated. In summary, the available evidence is currently insufficient to determine the role of this variant in disease. Therefore, it has been classified as a Variant of Uncertain Significance.

Illumina Laboratory Services, Illumina
Classification: Uncertain significance for Mitochondrial DNA depletion syndrome, encephalomyopathic form with methylmalonic aciduria. Last evaluated: 2018-01-12. Review status: criteria provided, single submitter. Criteria: ICSL Variant Classification Criteria 13 December 2019. Collection method: clinical testing. Allele origin: germline.